The following is an entry in ClinVar:

ClinVar aggregate classification (germline): Likely pathogenic (0 of 4 stars; one submission).

Conditions:
KIDINS220-related disorder. Also called: KIDINS220-related condition.

Submission:

PreventionGenetics, part of Exact Sciences
Classification: Likely pathogenic for KIDINS220-related condition. Last evaluated: 2023-10-25. Review status: no assertion criteria provided. Collection method: clinical testing. Allele origin: germline.
Comment: The KIDINS220 c.3905dupG variant is predicted to result in premature protein termination (p.Glu1303*). To our knowledge, this variant has not been reported in the literature or in a large population database, indicating this variant is rare. Nonsense variants in KIDINS220 are expected to be pathogenic. This variant is interpreted as likely pathogenic.

NM_020738.4(KIDINS220):c.3905dup (p.Gly1302_Glu1303insTer)

Gene: KIDINS220 (kinase D interacting substrate 220; minus strand). Cytogenetic location: 2p25.1.
Variant type: Duplication.
Coding change: c.3905dup on transcript NM_020738.4 (MANE Select); coding-DNA position 3905, one base duplicated (G; older notation c.3905dupG).
Protein change: p.Gly1302_Glu1303insTer.
Molecular consequence: frameshift variant. On other transcripts: non-coding transcript variant (2).
Genome position (GRCh38, 1-based): chr2:8,733,592, C duplicated on the plus strand (G on the coding strand, the reverse complement: KIDINS220 is on the minus strand); the first of 2 consecutive C bases (chr2:8,733,592-8,733,593); duplicating either gives the same sequence. VCF-style (leftmost placement, unchanged base first): chr2-8733591-A-AC. GRCh37 (hg19) VCF-style: chr2-8873721-A-AC.
Other names: c.3908dup, p.Gly1303_Glu1304insTer (NM_001348729.2); c.3851dup, p.Gly1284_Glu1285insTer (NM_001348731.2); c.3848dup, p.Gly1283_Glu1284insTer (NM_001348732.2, NM_001348738.2); c.3737dup, p.Gly1246_Glu1247insTer (NM_001348734.2, NM_001348739.2, NM_001348740.2); c.3734dup, p.Gly1245_Glu1246insTer (NM_001348735.2, NM_001348741.2, NM_001348742.2 and 1 more transcripts); c.3608dup, p.Gly1203_Glu1204insTer (NM_001348736.2).
Identifiers: ClinVar variation 3349657 (VCV003349657.1).